The following is an entry in ClinVar:

NM_001844.5(COL2A1):c.3426C>T (p.Pro1142=)

Gene: COL2A1 (collagen type II alpha 1 chain; minus strand). Cytogenetic location: 12q13.11.
Variant type: single nucleotide variant.
Coding change: c.3426C>T on transcript NM_001844.5 (MANE Select); coding-DNA position 3426, C replaced by T.
Protein change: p.Pro1142=; no amino-acid change (proline 1142 retained).
Molecular consequence: synonymous variant.
Genome position (GRCh38, 1-based): chr12:47,976,821, G>A on the plus strand (C>T on the coding strand, the complement: COL2A1 is on the minus strand). VCF-style: chr12-47976821-G-A. GRCh37 (hg19) VCF-style: chr12-48370604-G-A.
Other names: c.3219C>T, p.Pro1073= (NM_033150.3).
Identifiers: ClinVar variation 1151875 (VCV001151875.17), dbSNP rs755031857, ClinGen allele CA6534769.

ClinVar aggregate classification (germline): Likely benign. Review status: criteria provided, multiple submitters, no conflicts (2 of 4 stars). 5 submissions from 5 submitters: Likely benign (4). 1 of the submissions does not count toward it. Last evaluated 2026-06-01.

Conditions:
COL2A1-related disorder. Also called: COL2A1-related condition; COL2A1-related disorders.

Allele frequency attached by ClinVar (database versions not stated): gnomAD 0.00004 and 0.00003; TOPMed 0.00005; ExAC 0.00006; gnomAD exomes 0.00006 and 0.00003.

Submissions (5):

CeGaT Center for Human Genetics Tuebingen
Classification: Likely benign. Last evaluated: 2026-06-01. Review status: criteria provided, single submitter. Criteria: CeGaT Center For Human Genetics Tuebingen Variant Classification Criteria Version 2. Collection method: clinical testing. Allele origin: germline. Affected: yes. Observed: 1 variant allele.
Comment: COL2A1: BP4, BP7

Labcorp Genetics (formerly Invitae), Labcorp
Classification: Likely benign. Last evaluated: 2026-01-21. Review status: criteria provided, single submitter. Criteria: Invitae Variant Classification Sherloc (09022015). Collection method: clinical testing. Allele origin: germline.

Blueprint Genetics
Classification: Likely benign. Last evaluated: 2024-09-04. Review status: criteria provided, single submitter. Criteria: ACMG Guidelines, 2015. Collection method: clinical testing. Allele origin: germline.

GeneDx
Classification: Likely benign. Last evaluated: 2019-03-14. Review status: criteria provided, single submitter. Criteria: GeneDx Variant Classification Process June 2021. Collection method: clinical testing. Allele origin: germline. Affected: yes.

PreventionGenetics, part of Exact Sciences
Classification: Likely benign for COL2A1-related condition. Last evaluated: 2019-11-19. Review status: no assertion criteria provided. Collection method: clinical testing. Allele origin: germline. Not counted in ClinVar's aggregate classification.
Comment: This variant is classified as likely benign based on ACMG/AMP sequence variant interpretation guidelines (Richards et al. 2015 PMID: 25741868, with internal and published modifications).